The following is an entry in ClinVar:

NM_001844.5(COL2A1):c.1068+4del

Gene: COL2A1 (collagen type II alpha 1 chain; minus strand). Cytogenetic location: 12q13.11.
Variant type: Deletion.
Coding change: c.1068+4del on transcript NM_001844.5 (MANE Select); 4 bases into the intron after coding-DNA position 1068, one base deleted (A; older notation c.1068+4delA).
Molecular consequence: intron variant.
Genome position (GRCh38, 1-based): chr12:47,989,757, T deleted on the plus strand (A on the coding strand, the reverse complement: COL2A1 is on the minus strand); the first of 2 consecutive T bases (chr12:47,989,757-47,989,758); deleting either gives the same sequence. VCF-style (leftmost placement, unchanged base first): chr12-47989756-CT-C. GRCh37 (hg19) VCF-style: chr12-48383539-CT-C.
Other names: c.861+4del (NM_033150.3).
Identifiers: ClinVar variation 1526121 (VCV001526121.1), dbSNP rs2136590056, ClinGen allele CA2573148710.

ClinVar aggregate classification (germline): Uncertain significance (1 of 4 stars; one submission).

Conditions:
Spondyloepiphyseal dysplasia, Stanescu type. Also called: SED, STANESCU TYPE; SPONDYLOEPIMETAPHYSEAL DYSPLASIA, STANESCU TYPE. Identifiers: Orphanet 459051, MedGen C4225273, MONDO:0014701, OMIM 616583.

Submission:

3billion
Classification: Uncertain significance for Spondyloepiphyseal dysplasia, Stanescu type. Last evaluated: 2022-03-22. Review status: criteria provided, single submitter. Criteria: ACMG Guidelines, 2015. Collection method: clinical testing. Allele origin: germline. Affected: yes. Observed: 1 heterozygote.
Comment: The variant is not observed in the gnomAD v2.1.1 dataset. In silico tools predict the variant to alter splicing and produce an abnormal transcript (SPLICEAI: 0.89>=0.8). Therefore, this variant is classified as uncertain significance according to the recommendation of ACMG/AMP guideline.